The following is an entry in ClinVar:

ClinVar aggregate classification (germline): Benign (1 of 4 stars; one submission).

Conditions:
Cataract 5 multiple types (CTRCT5). Also called: CATARACT, MARNER TYPE; CATARACT 5, LAMELLAR; Lamellar cataract. Identifiers: Orphanet 91492, MedGen C0266537, MONDO:0007290, OMIM 116800, HP:0007971.

Allele frequency attached by ClinVar (database versions not stated): gnomAD 0.00001 and 0.00003; ExAC 0.00010; TOPMed 0.00002.
gnomAD v4.1: 309 of 1,612,964 alleles (0.019%); highest among the groups gnomAD compares: East Asian, 0.68%; 4 homozygotes.

Submission:

Illumina Laboratory Services, Illumina
Classification: Benign for Cataract 5 multiple types. Last evaluated: 2018-01-12. Review status: criteria provided, single submitter. Criteria: ICSL Variant Classification Criteria 13 December 2019. Collection method: clinical testing. Allele origin: germline.
Comment: This variant was observed in the ICSL laboratory as part of a predisposition screen in an ostensibly healthy population. It had not been previously curated by ICSL or reported in the Human Gene Mutation Database (HGMD: prior to June 1st, 2018), and was therefore a candidate for classification through an automated scoring system. Utilizing variant allele frequency, disease prevalence and penetrance estimates, and inheritance mode, an automated score was calculated to assess if this variant is too frequent to cause the disease. Based on the score and internal cut-off values, a variant classified as benign is not then subjected to further curation. The score for this variant resulted in a classification of benign for this disease.

NM_001374675.1(HSF4):c.1395C>A (p.Gly465=)

Gene: HSF4 (heat shock transcription factor 4; plus strand). Cytogenetic location: 16q22.1.
Variant type: single nucleotide variant.
Coding change: c.1395C>A on transcript NM_001374675.1 (MANE Select); coding-DNA position 1395, C replaced by A.
Protein change: p.Gly465=; no amino-acid change (glycine 465 retained).
Molecular consequence: synonymous variant.
Genome position (GRCh38, 1-based): chr16:67,169,701, C>A. VCF-style: chr16-67169701-C-A. GRCh37 (hg19) VCF-style: chr16-67203604-C-A.
Other names: c.1395C>A, p.Gly465= (NM_001040667.3); c.1305C>A, p.Gly435= (NM_001374674.1, NM_001538.4).
Identifiers: ClinVar variation 320190 (VCV000320190.5), dbSNP rs28364624, ClinGen allele CA8102190.